The following is an entry in ClinVar:

ClinVar aggregate classification (germline): Likely benign. Review status: criteria provided, multiple submitters, no conflicts (2 of 4 stars). 2 submissions from 2 submitters: Likely benign (2). Last evaluated 2026-03-15.

Conditions:
TRIM63-related disorder. Also called: TRIM63-related condition.

Submissions (2):

Women's Health and Genetics/Laboratory Corporation of America, LabCorp
Classification: Likely benign. Last evaluated: 2026-03-15. Review status: criteria provided, single submitter. Criteria: LabCorp Variant Classification Summary - May 2015. Collection method: clinical testing. Allele origin: germline.

PreventionGenetics, part of Exact Sciences
Classification: Likely benign for TRIM63-related condition. Last evaluated: 2026-01-26. Review status: criteria provided, single submitter. Criteria: ACMG Guidelines, 2015. Collection method: clinical testing. Allele origin: germline.
Comment: This variant is classified as likely benign based on ACMG/AMP sequence variant interpretation guidelines (Richards et al. 2015 PMID: 25741868, with internal and published modifications).

NM_032588.4(TRIM63):c.832-7C>G

Gene: TRIM63 (tripartite motif containing 63; minus strand). Cytogenetic location: 1p36.11.
Variant type: single nucleotide variant.
Coding change: c.832-7C>G on transcript NM_032588.4 (MANE Select); 7 bases into the intron before coding-DNA position 832, C replaced by G.
Molecular consequence: intron variant.
Genome position (GRCh38, 1-based): chr1:26,057,657, G>C on the plus strand (C>G on the coding strand, the complement: TRIM63 is on the minus strand). VCF-style: chr1-26057657-G-C. GRCh37 (hg19) VCF-style: chr1-26384148-G-C.
Other names: c.832-7C>G (NM_032588.3).
Identifiers: ClinVar variation 3768679 (VCV003768679.3).